The following is an entry in ClinVar:

ClinVar aggregate classification (germline): Uncertain significance (1 of 4 stars; one submission).

Submission:

GeneDx
Classification: Uncertain significance. Last evaluated: 2023-06-27. Review status: criteria provided, single submitter. Criteria: GeneDx Variant Classification Process June 2021. Collection method: clinical testing. Allele origin: germline. Affected: yes.
Comment: Not observed at significant frequency in large population cohorts (gnomAD); Variant predicted to impact splicing in a gene for which loss of function is a known mechanism of disease, and both splice predictors and evolutionary conservation support a deleterious effect. In the absence of functional evidence the actual effect of this sequence change is unknown.; Has not been previously published as pathogenic or benign to our knowledge

NM_004380.3(CREBBP):c.3836+2dup

Gene: CREBBP (CREB binding protein; minus strand). Cytogenetic location: 16p13.3.
Variant type: Duplication.
Coding change: c.3836+2dup on transcript NM_004380.3 (MANE Select); the canonical splice donor site of the intron after coding-DNA position 3836, one base duplicated (T; older notation c.3836+2dupT).
Molecular consequence: splice donor variant.
Genome position (GRCh38, 1-based): chr16:3,749,625, A duplicated on the plus strand (T on the coding strand, the reverse complement: CREBBP is on the minus strand). VCF-style (leftmost placement, unchanged base first): chr16-3749624-T-TA. GRCh37 (hg19) VCF-style: chr16-3799625-T-TA.
Other names: c.3722+2dup (NM_001079846.1).
Identifiers: ClinVar variation 3360599 (VCV003360599.1).